The following is an entry in ClinVar:

NM_005633.4(SOS1):c.1945G>A (p.Glu649Lys)

Gene: SOS1 (SOS Ras/Rac guanine nucleotide exchange factor 1; minus strand). Cytogenetic location: 2p22.1.
Variant type: single nucleotide variant.
Coding change: c.1945G>A on transcript NM_005633.4 (MANE Select); coding-DNA position 1945, G replaced by A.
Protein change: p.Glu649Lys; replaces glutamic acid 649 with lysine.
Molecular consequence: missense variant.
Genome position (GRCh38, 1-based): chr2:39,013,985, C>T on the plus strand (G>A on the coding strand, the complement: SOS1 is on the minus strand). VCF-style: chr2-39013985-C-T. GRCh37 (hg19) VCF-style: chr2-39241126-C-T.
Other names: c.1924G>A, p.Glu642Lys (NM_001382394.1); c.1945G>A, p.Glu649Lys (NM_001382395.1); short protein forms E642K, E649K.
Identifiers: ClinVar variation 5018038 (VCV005018038.1).

ClinVar aggregate classification (germline): Uncertain significance (1 of 4 stars; one submission).

Submission:

GeneDx
Classification: Uncertain significance. Last evaluated: 2026-04-04. Review status: criteria provided, single submitter. Criteria: GeneDx Variant Classification Process June 2021. Collection method: clinical testing. Allele origin: germline.
Comment: Not observed at significant frequency in large population cohorts (gnomAD); Missense variants in this gene are a common cause of disease and they are underrepresented in the general population; In silico analysis suggests that this missense variant does not alter protein structure/function; This variant is associated with the following publications: (PMID: 29493581)